The following is an entry in ClinVar:

ClinVar aggregate classification (germline): Uncertain significance (1 of 4 stars; one submission).

Allele frequency attached by ClinVar (database versions not stated): ExAC 0.00006; gnomAD 0.00006 and 0.00007; gnomAD exomes 0.00006; TOPMed 0.00011; ESP Exome Variant Server 0.00023.
gnomAD v4.1: 53 of 1,614,018 alleles (0.0033%); highest among the groups gnomAD compares: African/African-American, 0.019%; no homozygotes.

Submission:

Labcorp Genetics (formerly Invitae), Labcorp
Classification: Uncertain significance. Last evaluated: 2022-07-05. Review status: criteria provided, single submitter. Criteria: Invitae Variant Classification Sherloc (09022015). Collection method: clinical testing. Allele origin: germline.
Comment: This sequence change replaces alanine, which is neutral and non-polar, with valine, which is neutral and non-polar, at codon 188 of the UNC45A protein (p.Ala188Val). This variant is present in population databases (rs144133578, gnomAD 0.02%). This variant has not been reported in the literature in individuals affected with UNC45A-related conditions. ClinVar contains an entry for this variant (Variation ID: 1426078). Algorithms developed to predict the effect of missense changes on protein structure and function are either unavailable or do not agree on the potential impact of this missense change (SIFT: "Not Available"; PolyPhen-2: "Probably Damaging"; Align-GVGD: "Not Available"). In summary, the available evidence is currently insufficient to determine the role of this variant in disease. Therefore, it has been classified as a Variant of Uncertain Significance.

NM_018671.5(UNC45A):c.563C>T (p.Ala188Val)

Gene: UNC45A (unc-45 myosin chaperone A; plus strand). Cytogenetic location: 15q26.1.
Variant type: single nucleotide variant.
Coding change: c.563C>T on transcript NM_018671.5 (MANE Select); coding-DNA position 563, C replaced by T.
Protein change: p.Ala188Val; replaces alanine 188 with valine.
Molecular consequence: missense variant.
Genome position (GRCh38, 1-based): chr15:90,940,349, C>T. VCF-style: chr15-90940349-C-T. GRCh37 (hg19) VCF-style: chr15-91483579-C-T.
Other names: c.518C>T, p.Ala173Val (NM_001039675.2, NM_001323621.2); c.563C>T, p.Ala188Val (NM_001323619.1); c.128C>T, p.Ala43Val (NM_001323620.2); short protein forms A188V, A43V, A173V.
Identifiers: ClinVar variation 1426078 (VCV001426078.6), dbSNP rs144133578, ClinGen allele CA7742589.